The following is an entry in ClinVar:

ClinVar aggregate classification (germline): Uncertain significance. Review status: criteria provided, multiple submitters, no conflicts (2 of 4 stars). 2 submissions from 2 submitters: Uncertain significance (2). Last evaluated 2025-05-26.

Conditions:
Primary dilated cardiomyopathy (DCM). Also called: Dilated Cardiomyopathy. Identifiers: Orphanet 217604, MedGen C0007193, MeSH D002311, MONDO:0005021, HP:0001644. Inheritance: Various modes of inheritance.
Hypertrophic cardiomyopathy. Also called: HYPERTROPHIC MYOCARDIOPATHY. Identifiers: Orphanet 217569, MedGen C0007194, MeSH D002312, MONDO:0005045, HP:0001639.

Allele frequency attached by ClinVar (database versions not stated): ExAC 0.00002; gnomAD 0.00003 and 0.00001; gnomAD exomes 0.00002; TOPMed 0.00005; 1000 Genomes Project 30x 0.00016; 1000 Genomes Project 0.00020.

Submissions (2):

Labcorp Genetics (formerly Invitae), Labcorp
Classification: Uncertain significance for Hypertrophic cardiomyopathy; Primary dilated cardiomyopathy. Last evaluated: 2025-05-26. Review status: criteria provided, single submitter. Criteria: Invitae Variant Classification Sherloc (09022015). Collection method: clinical testing. Allele origin: germline.
Comment: This sequence change replaces alanine, which is neutral and non-polar, with valine, which is neutral and non-polar, at codon 38 of the PDLIM3 protein (p.Ala38Val). This variant is present in population databases (rs182803361, gnomAD 0.01%). This variant has not been reported in the literature in individuals affected with PDLIM3-related conditions. ClinVar contains an entry for this variant (Variation ID: 1368773). Invitae Evidence Modeling of protein sequence and biophysical properties (such as structural, functional, and spatial information, amino acid conservation, physicochemical variation, residue mobility, and thermodynamic stability) indicates that this missense variant is expected to disrupt PDLIM3 protein function with a positive predictive value of 80%. In summary, the available evidence is currently insufficient to determine the role of this variant in disease. Therefore, it has been classified as a Variant of Uncertain Significance.

Ambry Genetics
Classification: Uncertain significance. Last evaluated: 2024-10-24. Review status: criteria provided, single submitter. Criteria: Ambry Variant Classification Scheme 2023. Collection method: clinical testing. Allele origin: germline.
Comment: The p.A38V variant (also known as c.113C>T), located in coding exon 2 of the PDLIM3 gene, results from a C to T substitution at nucleotide position 113. The alanine at codon 38 is replaced by valine, an amino acid with similar properties. This amino acid position is conserved. In addition, this alteration is predicted to be deleterious by in silico analysis. Since supporting evidence is limited at this time, the clinical significance of this alteration remains unclear.

NM_014476.6(PDLIM3):c.113C>T (p.Ala38Val)

Gene: PDLIM3 (PDZ and LIM domain 3; minus strand). Cytogenetic location: 4q35.1.
Variant type: single nucleotide variant.
Coding change: c.113C>T on transcript NM_014476.6 (MANE Select); coding-DNA position 113, C replaced by T.
Protein change: p.Ala38Val; replaces alanine 38 with valine.
Molecular consequence: missense variant. On other transcripts: non-coding transcript variant (1), intron variant (1).
Genome position (GRCh38, 1-based): chr4:185,525,152, G>A on the plus strand (C>T on the coding strand, the complement: PDLIM3 is on the minus strand). VCF-style: chr4-185525152-G-A. GRCh37 (hg19) VCF-style: chr4-186446306-G-A.
Other names: c.113C>T, p.Ala38Val (NM_001114107.5, NM_001257962.2); c.93+10190C>T (NM_001257963.2); short protein forms A38V.
Identifiers: ClinVar variation 1368773 (VCV001368773.9), dbSNP rs182803361, ClinGen allele CA3159902.
Genomic context (GRCh38, chr4:185,525,152, plus strand): 5'-TCTGTCCCAAAGCCGTCAATAGCCAGGATGACATCTCCAGGACACAGGTTGGCAGCTGCC[G>A]CCTTGCTTCCTGGTGTAATCTGGAAGAAATCATGGCACTATTTAAAAACCAACATCCCGC-3'
Protein context (NP_055291.2, residues 28-48): VITRITPGSK[Ala38Val]AAANLCPGDV